The following is an entry in ClinVar:

ClinVar aggregate classification (germline): Likely pathogenic (1 of 4 stars; one submission).

Conditions:
Stuve-Wiedemann syndrome (STWS). Also called: Stüve-Wiedemann syndrome. Identifiers: Orphanet 3206, MedGen C0796176, MONDO:0031280.

gnomAD v4.1: 1 of 1,608,250 alleles (0.000062%); highest among the groups gnomAD compares: Non-Finnish European, 0.000085%; no homozygotes.

Submission:

Natera, Inc.
Classification: Likely pathogenic for Stuve-Wiedemann syndrome. Last evaluated: 2024-07-22. Review status: criteria provided, single submitter. Criteria: Natera Variant Classification Schema (03/2026). Collection method: clinical testing. Allele origin: germline.
Comment: The c.1625G>A variant in LIFR is a nonsense variant predicted to introduce a stop codon at amino acid 542. This variant is expected to result in nonsense mediated decay, truncation, or a dysfunctional protein product. This variant is rare in the general population with a frequency below the threshold expected for the associated phenotype(s). Given the available evidence, this variant is classified as Likely Pathogenic.

NM_001127671.2(LIFR):c.1625G>A (p.Trp542Ter)

Gene: LIFR (LIF receptor subunit alpha; minus strand). Cytogenetic location: 5p13.1.
Variant type: single nucleotide variant.
Coding change: c.1625G>A on transcript NM_001127671.2 (MANE Select); coding-DNA position 1625, G replaced by A.
Protein change: p.Trp542Ter; replaces tryptophan 542 with a stop codon.
Molecular consequence: nonsense.
Genome position (GRCh38, 1-based): chr5:38,499,559, C>T on the plus strand (G>A on the coding strand, the complement: LIFR is on the minus strand). VCF-style: chr5-38499559-C-T. GRCh37 (hg19) VCF-style: chr5-38499661-C-T.
Other names: c.1625G>A, p.Trp542Ter (NM_001364297.2, NM_001364298.2, NM_002310.6); short protein forms W542*.
Identifiers: ClinVar variation 4815014 (VCV004815014.1).